The following is an entry in ClinVar:

NC_000002.11:g.(?_166915060)_(166915218_?)del

Gene: SCN1A (sodium voltage-gated channel alpha subunit 1; minus strand). Cytogenetic location: 2q24.3.
Variant type: Deletion.
Identifiers: ClinVar variation 3247189 (VCV003247189.1).

ClinVar aggregate classification (germline): Pathogenic (1 of 4 stars; one submission).

Conditions:
Developmental and epileptic encephalopathy. Identifiers: MedGen C5779964, MONDO:0100620.

Submission:

Labcorp Genetics (formerly Invitae), Labcorp
Classification: Pathogenic for Early-infantile DEE. Last evaluated: 2023-12-03. Review status: criteria provided, single submitter. Criteria: Invitae Variant Classification Sherloc (09022015). Collection method: clinical testing. Allele origin: unknown.
Comment: This variant is a gross deletion of the genomic region encompassing exon(s) 2 of the SCN1A gene. This deletion is out-of-frame, and is expected to create a premature termination codon and result in an absent or disrupted protein product. Loss-of-function variants in SCN1A are known to be pathogenic (PMID: 17347258, 18930999). A similar copy number variant has been observed in individual(s) with clinical features of autosomal dominant SCN1A-related conditions (PMID: 19522081). For these reasons, this variant has been classified as Pathogenic.

Literature cited by the submitters: PubMed 17347258; PubMed 18930999; PubMed 19522081.